The following is an entry in ClinVar:

ClinVar aggregate classification (germline): Likely pathogenic (1 of 4 stars; one submission).

Conditions:
Kleefstra syndrome 1 (KLEFS1). Identifiers: Orphanet 261494, MedGen C0795833, MONDO:0027407, OMIM 610253.

Submission:

MVZ Medizinische Genetik Mainz
Classification: Likely pathogenic for Kleefstra syndrome 1. Last evaluated: 2023-08-09. Review status: criteria provided, single submitter. Criteria: UK Practice Guidelines For Variant Classification V4 01 2020. Collection method: clinical testing. Allele origin: germline. Inheritance: Autosomal dominant inheritance. Affected: yes. Observed: 1 variant allele.
Comment: ACMG Criteria: PVS1,PM2_SUP

NM_024757.5(EHMT1):c.2242C>T (p.Gln748Ter)

Gene: EHMT1 (euchromatic histone lysine methyltransferase 1; plus strand). Cytogenetic location: 9q34.3.
Variant type: single nucleotide variant.
Coding change: c.2242C>T on transcript NM_024757.5 (MANE Select); coding-DNA position 2242, C replaced by T.
Protein change: p.Gln748Ter; replaces glutamine 748 with a stop codon.
Molecular consequence: nonsense.
Genome position (GRCh38, 1-based): chr9:137,779,684, C>T. VCF-style: chr9-137779684-C-T. GRCh37 (hg19) VCF-style: chr9-140674136-C-T.
Other names: c.2242C>T, p.Gln748Ter (NM_001145527.2); c.2149C>T, p.Gln717Ter (NM_001354259.2); c.2221C>T, p.Gln741Ter (NM_001354263.2); short protein forms Q717*, Q741*, Q748*.
Identifiers: ClinVar variation 3234112 (VCV003234112.1), dbSNP rs2542422524, ClinGen allele CA375780295.
Genomic context (GRCh38, chr9:137,779,684, plus strand): 5'-GCTTCCCACAGACCCAAGAAGCTTCGCTTCCACCCAAAGCAGCTGTACTTCTCCGCCAGG[C>T]AAGGGGAGCTTCAGAAGGTGCTCCTCATGCTGGGTAAGTGCCTTCCTGCGGCCCGGGCAC-3'